The following is an entry in ClinVar:

ClinVar aggregate classification (germline): Uncertain significance (1 of 4 stars; one submission).

Allele frequency attached by ClinVar (database versions not stated): gnomAD exomes below 0.00001.
gnomAD v4.1: 5 of 1,535,500 alleles (0.00033%); highest among the groups gnomAD compares: African/African-American, 0.0014%; no homozygotes.

Submission:

Labcorp Genetics (formerly Invitae), Labcorp
Classification: Uncertain significance. Last evaluated: 2022-08-22. Review status: criteria provided, single submitter. Criteria: Invitae Variant Classification Sherloc (09022015). Collection method: clinical testing. Allele origin: germline.
Comment: In summary, the available evidence is currently insufficient to determine the role of this variant in disease. Therefore, it has been classified as a Variant of Uncertain Significance. Algorithms developed to predict the effect of missense changes on protein structure and function are either unavailable or do not agree on the potential impact of this missense change (SIFT: "Tolerated"; PolyPhen-2: "Not Available"; Align-GVGD: "Class C0"). This variant has not been reported in the literature in individuals affected with PDZD7-related conditions. This variant is present in population databases (no rsID available, gnomAD 0.002%). This sequence change replaces isoleucine, which is neutral and non-polar, with valine, which is neutral and non-polar, at codon 874 of the PDZD7 protein (p.Ile874Val).

NM_001195263.2(PDZD7):c.2620A>G (p.Ile874Val)

Gene: PDZD7 (PDZ domain containing 7; minus strand). Cytogenetic location: 10q24.31.
Variant type: single nucleotide variant.
Coding change: c.2620A>G on transcript NM_001195263.2 (MANE Select); coding-DNA position 2620, A replaced by G.
Protein change: p.Ile874Val; replaces isoleucine 874 with valine.
Molecular consequence: missense variant.
Genome position (GRCh38, 1-based): chr10:101,009,348, T>C on the plus strand (A>G on the coding strand, the complement: PDZD7 is on the minus strand). VCF-style: chr10-101009348-T-C. GRCh37 (hg19) VCF-style: chr10-102769105-T-C.
Other names: short protein forms I874V.
Identifiers: ClinVar variation 1955017 (VCV001955017.5), dbSNP rs1564821757, ClinGen allele CA378223715.